The following is an entry in ClinVar:

NM_005121.3(MED13):c.6160dup (p.Glu2054fs)

Gene: MED13 (mediator complex subunit 13; minus strand). Cytogenetic location: 17q23.2.
Variant type: Duplication.
Coding change: c.6160dup on transcript NM_005121.3 (MANE Select); coding-DNA position 6160, one base duplicated (G; older notation c.6160dupG).
Protein change: p.Glu2054fs; shifts the reading frame from glutamic acid 2054.
Molecular consequence: frameshift variant.
Genome position (GRCh38, 1-based): chr17:61,950,956, C duplicated on the plus strand (G on the coding strand, the reverse complement: MED13 is on the minus strand); the first of 2 consecutive C bases (chr17:61,950,956-61,950,957); duplicating either gives the same sequence. VCF-style (leftmost placement, unchanged base first): chr17-61950955-T-TC. GRCh37 (hg19) VCF-style: chr17-60028316-T-TC.
Other names: short protein forms E2054fs.
Identifiers: ClinVar variation 1189232 (VCV001189232.2), dbSNP rs2143288270, ClinGen allele CA2499224825.
Genomic context (GRCh38, chr17:61,950,955, plus strand): 5'-GCTTTGGCAGTTGATACAAAGTAACCAAGGGCCAATGGTTGCTGAAGAATATTAGGTACT[T>TC]CCTCATGAGGTTCTGTTGATAGTAGCCGATCAGTACTCTGACCCTTAAAAAGACAAAATT-3'

ClinVar aggregate classification (germline): Pathogenic (1 of 4 stars; one submission).

Submission:

GeneDx
Classification: Pathogenic. Last evaluated: 2020-12-09. Review status: criteria provided, single submitter. Criteria: GeneDx Variant Classification Process June 2021. Collection method: clinical testing. Allele origin: germline. Affected: yes.
Comment: Frameshift variant predicted to result in protein truncation or nonsense mediated decay in a gene for which loss-of-function is a known mechanism of disease; Not observed in large population cohorts (Lek et al., 2016); Has not been previously published as pathogenic or benign to our knowledge